The following is an entry in ClinVar:

ClinVar aggregate classification (germline): Conflicting classifications of pathogenicity. Review status: criteria provided, conflicting classifications (1 of 4 stars). 5 submissions from 5 submitters: Uncertain significance (4); Likely benign (1). Last evaluated 2026-02-18.

Conditions:
Mitochondrial DNA depletion syndrome 13. Also called: FBXL4-Related Encephalomyopathic Mitochondrial DNA Depletion Syndrome; Mitochondrial DNA depletion syndrome 13 (encephalomyopathic type). Identifiers: Orphanet 369897, MedGen C3809592, MONDO:0014198, OMIM 615471.

Allele frequency attached by ClinVar (database versions not stated): gnomAD exomes 0.00013 and 0.00025; ExAC 0.00014; TOPMed 0.00019; gnomAD 0.00021; ESP Exome Variant Server 0.00023.
gnomAD v4.1: 394 of 1,613,952 alleles (0.024%); highest among the groups gnomAD compares: Non-Finnish European, 0.031%; no homozygotes.

Submissions (5):

GeneDx
Classification: Uncertain significance. Last evaluated: 2026-02-18. Review status: criteria provided, single submitter. Criteria: GeneDx Variant Classification Process June 2021. Collection method: clinical testing. Allele origin: germline.
Comment: In silico analysis suggests that this missense variant does not alter protein structure/function; Identified in an individual with Sezary syndrome, however it is not known if the variant was somatic or germline (PMID: 26415585); This variant is associated with the following publications: (PMID: 26415585)

Labcorp Genetics (formerly Invitae), Labcorp
Classification: Likely benign. Last evaluated: 2026-01-09. Review status: criteria provided, single submitter. Criteria: Invitae Variant Classification Sherloc (09022015). Collection method: clinical testing. Allele origin: germline.

Blueprint Genetics
Classification: Uncertain significance. Last evaluated: 2024-09-05. Review status: criteria provided, single submitter. Criteria: ACMG Guidelines, 2015. Collection method: clinical testing. Allele origin: germline.

Mayo Clinic Laboratories, Mayo Clinic
Classification: Uncertain significance. Last evaluated: 2023-10-10. Review status: criteria provided, single submitter. Criteria: ACMG Guidelines, 2015. Collection method: clinical testing. Allele origin: germline. Observed: 1 variant allele.
Comment: BP4

Wong Mito Lab, Molecular and Human Genetics, Baylor College of Medicine
Classification: Uncertain significance for Mitochondrial DNA depletion syndrome 13. Last evaluated: 2017-08-10. Review status: criteria provided, single submitter. Criteria: ACMG Guidelines, 2015. Collection method: reference population. Allele origin: germline.
Comment: The NM_012160.4:c.1073G>A (NP_036292.2:p.Arg358Lys) [GRCH38: NC_000006.12:g.98905456C>T] variant in FBXL4 gene is interpretated to be a Uncertain Significance - Conflicting Evidence based on ACMG guidelines (PMID: 25741868). This variant meets one or more of the following evidence codes reported in the ACMG-guideline. PM2:This variant is absent in key population databases. BP4:Computational evidence/predictors indicate no impact on the FBXL4 structure, function, or protein-protein interaction. Based on this evidence code ClinGen Pathogenicity Calculator (PMID:28081714) suggested that the variant is Uncertain Significance - Conflicting Evidence.

NM_001278716.2(FBXL4):c.1073G>A (p.Arg358Lys)

Gene: FBXL4 (F-box and leucine rich repeat protein 4; minus strand). Cytogenetic location: 6q16.2.
Variant type: single nucleotide variant.
Coding change: c.1073G>A on transcript NM_001278716.2 (MANE Select); coding-DNA position 1073, G replaced by A.
Protein change: p.Arg358Lys; replaces arginine 358 with lysine.
Molecular consequence: missense variant. On other transcripts: non-coding transcript variant (2).
Genome position (GRCh38, 1-based): chr6:98,905,456, C>T on the plus strand (G>A on the coding strand, the complement: FBXL4 is on the minus strand). VCF-style: chr6-98905456-C-T. GRCh37 (hg19) VCF-style: chr6-99353332-C-T.
Other names: p.Arg358Lys; c.1073G>A, p.Arg358Lys (NM_012160.5); c.1073G>A (NM_012160.3); short protein forms R358K.
Identifiers: ClinVar variation 437684 (VCV000437684.11), dbSNP rs372544390, ClinGen allele CA3933553.